The following is an entry in ClinVar:

ClinVar aggregate classification (germline): Uncertain significance (1 of 4 stars; one submission).

Submission:

Dasa
Classification: Uncertain significance. Last evaluated: 2025-01-15. Review status: criteria provided, single submitter. Criteria: DASA Assertion Criteria. Collection method: clinical testing. Allele origin: germline.
Comment: NM_020297.4(ABCC9):c.2092G>A (p.Gly698Ser) is a missense variant that results in the substitution of glycine with serine. This variant is absent from population databases. Computational prediction algorithms are consistent with a deleterious effect. The currently available literature and clinical evidence are not sufficient to establish a definitive association between this variant and the reported condition. Therefore, this variant is classified as a variant of uncertain significance.

NM_020297.4(ABCC9):c.2092G>A (p.Gly698Ser)

Gene: ABCC9 (ATP binding cassette subfamily C member 9; minus strand). Cytogenetic location: 12p12.1.
Variant type: single nucleotide variant.
Coding change: c.2092G>A on transcript NM_020297.4 (MANE Select); coding-DNA position 2092, G replaced by A.
Protein change: p.Gly698Ser; replaces glycine 698 with serine.
Molecular consequence: missense variant.
Genome position (GRCh38, 1-based): chr12:21,875,654, C>T on the plus strand (G>A on the coding strand, the complement: ABCC9 is on the minus strand). VCF-style: chr12-21875654-C-T. GRCh37 (hg19) VCF-style: chr12-22028588-C-T.
Other names: c.2092G>A, p.Gly698Ser (NM_001377273.1, NM_005691.4); c.1228G>A, p.Gly410Ser (NM_001377274.1); short protein forms G410S, G698S.
Identifiers: ClinVar variation 4882816 (VCV004882816.2).